The following is an entry in ClinVar:

NM_152743.4(BRAT1):c.694T>C (p.Trp232Arg)

Gene: BRAT1 (BRCA1 associated ATM activator 1; minus strand). Cytogenetic location: 7p22.3.
Variant type: single nucleotide variant.
Coding change: c.694T>C on transcript NM_152743.4 (MANE Select); coding-DNA position 694, T replaced by C.
Protein change: p.Trp232Arg; replaces tryptophan 232 with arginine.
Molecular consequence: missense variant. On other transcripts: non-coding transcript variant (1).
Genome position (GRCh38, 1-based): chr7:2,543,699, A>G on the plus strand (T>C on the coding strand, the complement: BRAT1 is on the minus strand). VCF-style: chr7-2543699-A-G. GRCh37 (hg19) VCF-style: chr7-2583333-A-G.
Other names: c.694T>C, p.Trp232Arg (NM_001350626.2); c.169T>C, p.Trp57Arg (NM_001350627.2); short protein forms W232R, W57R.
Identifiers: ClinVar variation 1522041 (VCV001522041.6), dbSNP rs2128396671, ClinGen allele CA366631970.
Genomic context (GRCh38, chr7:2,543,699, plus strand): 5'-GGTCTCTCTCCAGCAGACAGGCCACGCGGGGACTCAGCCGCACCCACAGGGCTTCCGTCC[A>G]GGGGCTCTGGCAGCGCCCGAAGGTCGTGGTCAGGACGTTCAGGGCCTGAGTGACCTTGGG-3'
Protein context (NP_689956.2, residues 222-242): TTTFGRCQSP[Trp232Arg]TEALWVRLSP

ClinVar aggregate classification (germline): Uncertain significance (1 of 4 stars; one submission).

Conditions:
Neonatal-onset encephalopathy with rigidity and seizures. Also called: Lethal neonatal spasticity-epileptic encephalopathy syndrome. Identifiers: Orphanet 435845, MedGen C3281029, MONDO:0013784, OMIM 614498.

Submission:

Labcorp Genetics (formerly Invitae), Labcorp
Classification: Uncertain significance for Neonatal-onset encephalopathy with rigidity and seizures. Last evaluated: 2021-11-01. Review status: criteria provided, single submitter. Criteria: Invitae Variant Classification Sherloc (09022015). Collection method: clinical testing. Allele origin: germline.
Comment: This variant has not been reported in the literature in individuals affected with BRAT1-related conditions. This variant is not present in population databases (gnomAD no frequency). This sequence change replaces tryptophan, which is neutral and slightly polar, with arginine, which is basic and polar, at codon 232 of the BRAT1 protein (p.Trp232Arg). Algorithms developed to predict the effect of missense changes on protein structure and function are either unavailable or do not agree on the potential impact of this missense change (SIFT: "Deleterious"; PolyPhen-2: "Probably Damaging"; Align-GVGD: "Class C15"). In summary, the available evidence is currently insufficient to determine the role of this variant in disease. Therefore, it has been classified as a Variant of Uncertain Significance.